The following is an entry in ClinVar:

NM_001203.3(BMPR1B):c.1476C>T (p.Ala492=)

Gene: BMPR1B (bone morphogenetic protein receptor type 1B; plus strand). Cytogenetic location: 4q22.3.
Variant type: single nucleotide variant.
Coding change: c.1476C>T on transcript NM_001203.3 (MANE Select); coding-DNA position 1476, C replaced by T.
Protein change: p.Ala492=; no amino-acid change (alanine 492 retained).
Molecular consequence: synonymous variant.
Genome position (GRCh38, 1-based): chr4:95,154,640, C>T. VCF-style: chr4-95154640-C-T. GRCh37 (hg19) VCF-style: chr4-96075791-C-T.
Other names: c.1476C>T, p.Ala492= (NM_001256792.2, NM_001256794.1); c.1566C>T, p.Ala522= (NM_001256793.2).
Identifiers: ClinVar variation 703948 (VCV000703948.25), dbSNP rs140430323, ClinGen allele CA3015263.
Genomic context (GRCh38, chr4:95,154,640, plus strand): 5'-ATGCTGGGCTCACAATCCTGCATCAAGGCTGACAGCCCTGCGGGTTAAGAAAACACTTGC[C>T]AAAATGTCAGAGTCCCAGGACATTAAACTCTGATAGGAGAGGAAAAGTAAGCATCTCTGC-3'
Protein context (NP_001194.1, residues 482-502): LTALRVKKTL[Ala492=]KMSESQDIKL

ClinVar aggregate classification (germline): Benign/Likely benign. Review status: criteria provided, multiple submitters, no conflicts (2 of 4 stars). 3 submissions from 3 submitters: Benign (2); Likely benign (1). Last evaluated 2026-01-27.

Conditions:
Brachydactyly. Also called: Brachydactyly syndrome; Brachydactyly (disease). Identifiers: MedGen C0221357, MONDO:0021004, HP:0001156.
Type A2 brachydactyly (BDA2). Also called: BRACHYMESOPHALANGY II; MOHR-WRIEDT TYPE BRACHYDACTYLY; Brachymesophalangy type 2. Identifiers: Orphanet 93396, MedGen C1832702, MONDO:0007216, OMIM 112600, HP:0009372.
Acromesomelic dysplasia 3 (AMD3). Also called: Acromesomelic dysplasia, Demirhan type; CHONDRODYSPLASIA, ACROMESOMELIC, WITH OR WITHOUT GENITAL ANOMALIES. Identifiers: MedGen C4225404, MONDO:0012274, OMIM 609441.

Allele frequency attached by ClinVar (database versions not stated): gnomAD exomes 0.00016 and 0.00041; ExAC 0.00038; 1000 Genomes Project 0.00080; 1000 Genomes Project 30x 0.00094; ESP Exome Variant Server 0.00131; gnomAD 0.00147 and 0.00163; TOPMed 0.00174.
gnomAD v4.1: 461 of 1,614,042 alleles (0.029%); highest among the groups gnomAD compares: African/African-American, 0.55%; 1 homozygote.

Submissions (3):

Labcorp Genetics (formerly Invitae), Labcorp
Classification: Benign for Type A2 brachydactyly; Acromesomelic dysplasia 3. Last evaluated: 2026-01-27. Review status: criteria provided, single submitter. Criteria: Invitae Variant Classification Sherloc (09022015). Collection method: clinical testing. Allele origin: germline.

Blueprint Genetics
Classification: Likely benign. Last evaluated: 2024-09-23. Review status: criteria provided, single submitter. Criteria: ACMG Guidelines, 2015. Collection method: clinical testing. Allele origin: germline.

Illumina Laboratory Services, Illumina
Classification: Benign for Brachydactyly. Last evaluated: 2018-01-13. Review status: criteria provided, single submitter. Criteria: ICSL Variant Classification Criteria 13 December 2019. Collection method: clinical testing. Allele origin: germline.
Comment: This variant was observed in the ICSL laboratory as part of a predisposition screen in an ostensibly healthy population. It had not been previously curated by ICSL or reported in the Human Gene Mutation Database (HGMD: prior to June 1st, 2018), and was therefore a candidate for classification through an automated scoring system. Utilizing variant allele frequency, disease prevalence and penetrance estimates, and inheritance mode, an automated score was calculated to assess if this variant is too frequent to cause the disease. Based on the score and internal cut-off values, a variant classified as benign is not then subjected to further curation. The score for this variant resulted in a classification of benign for this disease.